The following is an entry in ClinVar:

NM_001009944.3(PKD1):c.12089C>T (p.Thr4030Ile)

Gene: PKD1 (polycystin 1, transient receptor potential channel interacting; minus strand). Cytogenetic location: 16p13.3.
Variant type: single nucleotide variant.
Coding change: c.12089C>T on transcript NM_001009944.3 (MANE Select); coding-DNA position 12089, C replaced by T.
Protein change: p.Thr4030Ile; replaces threonine 4030 with isoleucine.
Molecular consequence: missense variant.
Genome position (GRCh38, 1-based): chr16:2,090,723, G>A on the plus strand (C>T on the coding strand, the complement: PKD1 is on the minus strand). VCF-style: chr16-2090723-G-A. GRCh37 (hg19) VCF-style: chr16-2140724-G-A.
Other names: c.12086C>T, p.Thr4029Ile (NM_000296.4); short protein forms T4029I, T4030I.
Identifiers: ClinVar variation 994708 (VCV000994708.6), dbSNP rs751776839, ClinGen allele CA7828837.

ClinVar aggregate classification (germline): Uncertain significance. Review status: criteria provided, multiple submitters, no conflicts (2 of 4 stars). 5 submissions from 5 submitters: Uncertain significance (3). 2 of the submissions do not count toward it. Last evaluated 2026-03-23.

Conditions:
Polycystic kidney disease. Also called: Polycystic kidney dysplasia; Kidney, Polycystic. Identifiers: MedGen C0022680, MeSH D007690, MONDO:0020642, HP:0000113.
Polycystic kidney disease, adult type (PKD1). Also called: POLYCYSTIC KIDNEY DISEASE, ADULT, TYPE I; Polycystic Kidney Disease 1, Autosomal Dominant; Polycystic kidney disease 1; Polycystic kidney disease 1, severe; Polycystic Kidney, Autosomal Dominant; POLYCYSTIC KIDNEY DISEASE 1 WITH OR WITHOUT POLYCYSTIC LIVER DISEASE. Identifiers: MedGen C3149841, MONDO:0008263, OMIM 173900.
PKD1-related disorder. Also called: PKD1-related condition.

Allele frequency attached by ClinVar (database versions not stated): ExAC 0.00004; gnomAD exomes 0.00004 and 0.00006; TOPMed 0.00005; gnomAD 0.00007 and 0.00008.
gnomAD v4.1: 69 of 1,612,512 alleles (0.0043%); highest among the groups gnomAD compares: Middle Eastern, 0.016%; no homozygotes.

Submissions (5):

Women's Health and Genetics/Laboratory Corporation of America, LabCorp
Classification: Uncertain significance. Last evaluated: 2026-03-23. Review status: criteria provided, single submitter. Criteria: LabCorp Variant Classification Summary - May 2015. Collection method: clinical testing. Allele origin: germline.
Comment: Variant summary: PKD1 c.12089C>T (p.Thr4030Ile) results in a non-conservative amino acid change in the encoded protein sequence. Algorithms developed to predict the effect of missense changes on protein structure and function are either unavailable or do not agree on the potential impact of this missense change. The variant allele was found at a frequency of 6.1e-05 in 246998 control chromosomes. This frequency is not significantly higher than estimated for disease-causing variants in PKD1, allowing no conclusion about variant significance. To our knowledge, no occurrence of c.12089C>T in individuals affected with PKD1-related conditions and no experimental evidence demonstrating its impact on protein function have been reported. ClinVar contains an entry for this variant (Variation ID: 994708). Based on the evidence outlined above, the variant was classified as uncertain significance.

Victorian Clinical Genetics Services, Murdoch Childrens Research Institute
Classification: Uncertain significance for Polycystic kidney disease, adult type. Last evaluated: 2022-02-02. Review status: criteria provided, single submitter. Criteria: ACMG Guidelines, 2015. Collection method: clinical testing. Allele origin: germline. Inheritance: Autosomal dominant inheritance.
Comment: Based on the classification scheme VCGS_Germline_v1.3.4, this variant is classified as VUS-3C. Following criteria are met: 0102 - Loss of function is a known mechanism of disease in this gene and is associated with Polycystic kidney disease 1 (MIM#173900). (I) 0107 - This gene is associated with autosomal dominant disease. Polycystic kidney disease 1 (MIM#173900) is predominantly caused by monoallelic variants, with rare reports of biallelic variants causing disease (OMIM). (I) 0112 - The condition associated with this gene has incomplete penetrance (OMIM). (I) 0200 - Variant is predicted to result in a missense amino acid change from threonine to isoleucine. (I) 0251 - This variant is heterozygous. (I) 0302 - Variant is present in gnomAD (v2) <0.001 for a dominant condition (18 heterozygotes, 0 homozygotes). (SP) 0503 - Missense variant consistently predicted to be tolerated by multiple in silico tools or not conserved in placental mammals with a minor amino acid change. (SB) 0604 - Variant is not located in an established domain, motif, hotspot or informative constraint region. (I) 0705 - No comparable missence variants have previous evidence for pathogenicity. (I) 0809 - Previous evidence of pathogenicity for this variant is inconclusive. There are two submissions in ClinVar that classify this variant as a VUS (ClinVar). (I) 0905 - No published segregation evidence has been identified for this variant. (I) 1007 - No published functional evidence has been identified for this variant. (I) 1208 - Inheritance information for this variant is not currently available in this individual. (I) Legend: (SP) - Supporting pathogenic, (I) - Information, (SB) - Supporting benign

Athena Diagnostics
Classification: Uncertain significance. Last evaluated: 2020-01-28. Review status: criteria provided, single submitter. Criteria: Athena Diagnostics Criteria. Collection method: clinical testing. Allele origin: unknown.

PreventionGenetics, part of Exact Sciences
Classification: Uncertain significance for PKD1-related condition. Last evaluated: 2024-01-05. Review status: no assertion criteria provided. Collection method: clinical testing. Allele origin: germline. Not counted in ClinVar's aggregate classification.
Comment: The PKD1 c.12089C>T variant is predicted to result in the amino acid substitution p.Thr4030Ile. To our knowledge, this variant has not been reported in the literature. This variant is reported in 0.015% of alleles in individuals of East Asian descent in gnomAD. At this time, the clinical significance of this variant is uncertain due to the absence of conclusive functional and genetic evidence.

Department of Pathology and Laboratory Medicine, Sinai Health System
Classification: Uncertain significance for Polycystic Kidney disease. Review status: no assertion criteria provided. Collection method: clinical testing. Allele origin: unknown. Affected: yes. Study: The Canadian Open Genetics Repository (COGR). Not counted in ClinVar's aggregate classification.
Comment: The PKD1 p.Thr4030Ile variant was not identified in the literature nor was it identified in the ClinVar, LOVD 3.0, ADPKD Mutation Database, or PKD1-LOVD databases. It was identified in dbSNP (ID: rs751776839) as "NA". The variant was also identified in control databases in 18 of 273928 chromosomes at a frequency of 0.00007 (Genome Aggregation Database Feb 27, 2017). The variant was observed in the following populations: African in 2 of 23752 chromosomes (freq: 0.00008), Latino in 2 of 34354 chromosomes (freq: 0.00006), European in 10 of 124220 chromosomes (freq: 0.00008), East Asian in 3 of 18808 chromosomes (freq: 0.0002), and South Asian in 1 of 30740 chromosomes (freq: 0.00003), while not observed in the Other, Ashkenazi Jewish or Finnish populations. In addition, we cannot be certain that data from control databases is specific to PKD1 and not from one of the six PKD1 pseudogenes. The p.Thr4030 residue is not conserved in mammals and computational analyses (PolyPhen-2, SIFT, AlignGVGD, BLOSUM, MutationTaster) provide inconsistent predictions regarding the impact to the protein; this information is not very predictive of pathogenicity. The variant occurs outside of the splicing consensus sequence and in silico or computational prediction software programs (SpliceSiteFinder, MaxEntScan, NNSPLICE, GeneSplicer) do not predict a difference in splicing. In summary, based on the above information, the clinical significance of this variant cannot be determined with certainty at this time. This variant is classified as a variant of uncertain significance.